The following is an entry in ClinVar:

ClinVar aggregate classification (germline): Uncertain significance (1 of 4 stars; one submission).

Conditions:
Ataxia-telangiectasia syndrome (AT). Also called: LOUIS-BAR SYNDROME; Cerebello-oculocutaneous telangiectasia; Immunodeficiency with ataxia telangiectasia; ATAXIA-TELANGIECTASIA, COMPLEMENTATION GROUP A; ATAXIA-TELANGIECTASIA, FRESNO VARIANT; Ataxia-telangiectasia, complementation group D. Identifiers: Orphanet 100, MedGen C0004135, MONDO:0008840, OMIM 208900.

Submission:

Labcorp Genetics (formerly Invitae), Labcorp
Classification: Uncertain significance for Ataxia-telangiectasia syndrome. Last evaluated: 2024-08-22. Review status: criteria provided, single submitter. Criteria: Invitae Variant Classification Sherloc (09022015). Collection method: clinical testing. Allele origin: germline.
Comment: This sequence change replaces asparagine, which is neutral and polar, with serine, which is neutral and polar, at codon 1793 of the ATM protein (p.Asn1793Ser). This variant is not present in population databases (gnomAD no frequency). This variant has not been reported in the literature in individuals affected with ATM-related conditions. An algorithm developed to predict the effect of missense changes on protein structure and function outputs the following: PolyPhen-2: "Benign". The serine amino acid residue is found in multiple mammalian species, which suggests that this missense change does not adversely affect protein function. In summary, the available evidence is currently insufficient to determine the role of this variant in disease. Therefore, it has been classified as a Variant of Uncertain Significance.

NM_000051.4(ATM):c.5378A>G (p.Asn1793Ser)

Gene: ATM (ATM serine/threonine kinase; plus strand). Cytogenetic location: 11q22.3.
Variant type: single nucleotide variant.
Coding change: c.5378A>G on transcript NM_000051.4 (MANE Select); coding-DNA position 5378, A replaced by G.
Protein change: p.Asn1793Ser; replaces asparagine 1793 with serine.
Molecular consequence: missense variant.
Genome position (GRCh38, 1-based): chr11:108,302,911, A>G. VCF-style: chr11-108302911-A-G. GRCh37 (hg19) VCF-style: chr11-108173638-A-G.
Other names: c.5378A>G, p.Asn1793Ser (NM_001351834.2); short protein forms N1793S.
Identifiers: ClinVar variation 3663257 (VCV003663257.2).